The following is an entry in ClinVar:

ClinVar aggregate classification (germline): Benign. Review status: criteria provided, multiple submitters, no conflicts (2 of 4 stars). 3 submissions from 3 submitters: Benign (3). Last evaluated 2018-10-01.

Conditions:
Progressive sclerosing poliodystrophy (MTDPS4A). Also called: Alpers-Huttenlocher Syndrome (AHS); Alpers Syndrome; ALPERS PROGRESSIVE INFANTILE POLIODYSTROPHY; Mitochondrial DNA depletion syndrome 4A (Alpers type); ALPERS DIFFUSE DEGENERATION OF CEREBRAL GRAY MATTER WITH HEPATIC CIRRHOSIS; Alpers-Huttenlocher Syndrome. Identifiers: Orphanet 726, MedGen C0205710, MONDO:0008758, OMIM 203700.

Allele frequency attached by ClinVar (database versions not stated): gnomAD exomes 0.01877; ExAC 0.02160; gnomAD 0.06017; 1000 Genomes Project 30x 0.08042; ESP Exome Variant Server 0.06755; TOPMed 0.07351; 1000 Genomes Project 0.07827.
gnomAD v4.1: 20,611 of 1,485,428 alleles (1.4%); highest among the groups gnomAD compares: African/African-American, 23%; 1,993 homozygotes.

Submissions (3):

Wong Mito Lab, Molecular and Human Genetics, Baylor College of Medicine
Classification: Benign for Progressive sclerosing poliodystrophy. Last evaluated: 2018-10-01. Review status: criteria provided, single submitter. Criteria: ACMG Guidelines, 2015. Collection method: clinical testing. Allele origin: germline.
Comment: The NM_002693.2:c.1713-32C>T (NP_002684.1:p.=) [GRCH38: NC_000015.10:g.89325718G>A] variant in POLG gene is interpretated to be a Benign based on ACMG guidelines (PMID: 25741868). This variant meets the following evidence codes reported in the ACMG-guideline. BA1:Minor allele frequency is too high for the Mitochondrial DNA depletion syndrome 4A (Alpers type). BS1:The minor allele frequency of this allele is high for Mitochondrial DNA depletion syndrome 4A (Alpers type). BS2:Observation of the variant in controls is inconsistent with penetrance of Mitochondrial DNA depletion syndrome 4A (Alpers type). BP4:Computational evidence/predictors indicate no impact on the POLG structure, function, or protein-protein interaction. Based on the evidence criteria codes applied, the variant is suggested to be Benign.

GeneDx
Classification: Benign. Last evaluated: 2015-03-03. Review status: criteria provided, single submitter. Criteria: GeneDx Variant Classification Process June 2021. Collection method: clinical testing. Allele origin: germline. Affected: yes.

Breakthrough Genomics
Classification: Benign. Review status: criteria provided, single submitter. Criteria: ACMG Guidelines, 2015. Collection method: not provided. Allele origin: germline. Inheritance: Autosomal recessive inheritance. Affected: yes.

NM_002693.3(POLG):c.1713-32C>T

Gene: POLG (DNA polymerase gamma, catalytic subunit; minus strand). Cytogenetic location: 15q26.1.
Variant type: single nucleotide variant.
Coding change: c.1713-32C>T on transcript NM_002693.3 (MANE Select); 32 bases into the intron before coding-DNA position 1713, C replaced by T.
Molecular consequence: intron variant.
Genome position (GRCh38, 1-based): chr15:89,325,718, G>A on the plus strand (C>T on the coding strand, the complement: POLG is on the minus strand). VCF-style: chr15-89325718-G-A. GRCh37 (hg19) VCF-style: chr15-89868949-G-A.
Other names: c.1713-32C>T (NM_001126131.2).
Identifiers: ClinVar variation 619382 (VCV000619382.5), dbSNP rs3176190, ClinGen allele CA7724709.